The following is an entry in ClinVar:

NM_080680.3(COL11A2):c.1557+3G>A

Gene: COL11A2 (collagen type XI alpha 2 chain; minus strand). Cytogenetic location: 6p21.32.
Variant type: single nucleotide variant.
Coding change: c.1557+3G>A on transcript NM_080680.3 (MANE Select); 3 bases into the intron after coding-DNA position 1557, G replaced by A.
Molecular consequence: intron variant.
Genome position (GRCh38, 1-based): chr6:33,179,228, C>T on the plus strand (G>A on the coding strand, the complement: COL11A2 is on the minus strand). VCF-style: chr6-33179228-C-T. GRCh37 (hg19) VCF-style: chr6-33147005-C-T.
Other names: c.1236+3G>A (NM_080679.3); c.1299+3G>A (NM_080681.3).
Identifiers: ClinVar variation 2092308 (VCV002092308.4), dbSNP rs2535244017, ClinGen allele CA2580074444.
Genomic context (GRCh38, chr6:33,179,228, plus strand): 5'-AGGGGAGTGAGGGAGACTGAGCTGGTGAACAGATATGGGGGTGCAGTGGAGGAAAGTGGT[C>T]ACCTGAGGTCCTAAGTCTCCAGACTCTCCTTTCAGGCCAGGGCTCCCAGGTTGGCCCTGG-3'

ClinVar aggregate classification (germline): Uncertain significance (1 of 4 stars; one submission).

Submission:

Labcorp Genetics (formerly Invitae), Labcorp
Classification: Uncertain significance. Last evaluated: 2022-02-03. Review status: criteria provided, single submitter. Criteria: Invitae Variant Classification Sherloc (09022015). Collection method: clinical testing. Allele origin: germline.
Comment: In summary, the available evidence is currently insufficient to determine the role of this variant in disease. Therefore, it has been classified as a Variant of Uncertain Significance. Variants that disrupt the consensus splice site are a relatively common cause of aberrant splicing (PMID: 17576681, 9536098). Algorithms developed to predict the effect of sequence changes on RNA splicing suggest that this variant may create or strengthen a splice site. This variant has not been reported in the literature in individuals affected with COL11A2-related conditions. This variant is not present in population databases (gnomAD no frequency). This sequence change falls in intron 15 of the COL11A2 gene. It does not directly change the encoded amino acid sequence of the COL11A2 protein. It affects a nucleotide within the consensus splice site.

Literature cited by the submitters: PubMed 17576681; PubMed 9536098.